The following is an entry in ClinVar:

NM_000057.4(BLM):c.2862C>G (p.Asp954Glu)

Gene: BLM (BLM RecQ like helicase; plus strand). Cytogenetic location: 15q26.1.
Variant type: single nucleotide variant.
Coding change: c.2862C>G on transcript NM_000057.4 (MANE Select); coding-DNA position 2862, C replaced by G.
Protein change: p.Asp954Glu; replaces aspartic acid 954 with glutamic acid.
Molecular consequence: missense variant.
Genome position (GRCh38, 1-based): chr15:90,790,687, C>G. VCF-style: chr15-90790687-C-G. GRCh37 (hg19) VCF-style: chr15-91333917-C-G.
Other names: c.2862C>G, p.Asp954Glu (NM_001287246.2, NM_001287247.2); c.1737C>G, p.Asp579Glu (NM_001287248.2); short protein forms D579E, D954E.
Identifiers: ClinVar variation 3224329 (VCV003224329.4), dbSNP rs907953613, ClinGen allele CA393846298.

ClinVar aggregate classification (germline): Uncertain significance. Review status: criteria provided, multiple submitters, no conflicts (2 of 4 stars). 3 submissions from 3 submitters: Uncertain significance (3). Last evaluated 2025-07-14.

Conditions:
Hereditary cancer-predisposing syndrome. Also called: Tumor predisposition; Hereditary neoplastic syndrome; Hereditary Cancer Syndrome; Neoplastic Syndromes, Hereditary. Identifiers: Orphanet 140162, MedGen C0027672, MeSH D009386, MONDO:0015356.
Bloom syndrome (BLM). Also called: Bloom-Torre-Machacek syndrome. Identifiers: Orphanet 125, MedGen C0005859, MONDO:0008876, OMIM 210900.

Submissions (3):

GeneDx
Classification: Uncertain significance. Last evaluated: 2025-07-14. Review status: criteria provided, single submitter. Criteria: GeneDx Variant Classification Process June 2021. Collection method: clinical testing. Allele origin: germline. Affected: yes.
Comment: Not observed at significant frequency in large population cohorts (gnomAD); In silico analysis supports that this missense variant has a deleterious effect on protein structure/function; Has not been previously published as pathogenic or benign to our knowledge

Labcorp Genetics (formerly Invitae), Labcorp
Classification: Uncertain significance for Bloom syndrome. Last evaluated: 2024-12-24. Review status: criteria provided, single submitter. Criteria: Invitae Variant Classification Sherloc (09022015). Collection method: clinical testing. Allele origin: germline.
Comment: This sequence change replaces aspartic acid, which is acidic and polar, with glutamic acid, which is acidic and polar, at codon 954 of the BLM protein (p.Asp954Glu). This variant is not present in population databases (gnomAD no frequency). This variant has not been reported in the literature in individuals affected with BLM-related conditions. ClinVar contains an entry for this variant (Variation ID: 3224329). Invitae Evidence Modeling of protein sequence and biophysical properties (such as structural, functional, and spatial information, amino acid conservation, physicochemical variation, residue mobility, and thermodynamic stability) indicates that this missense variant is expected to disrupt BLM protein function with a positive predictive value of 80%. In summary, the available evidence is currently insufficient to determine the role of this variant in disease. Therefore, it has been classified as a Variant of Uncertain Significance.

Ambry Genetics
Classification: Uncertain significance for Hereditary cancer-predisposing syndrome. Last evaluated: 2023-11-24. Review status: criteria provided, single submitter. Criteria: Ambry Variant Classification Scheme 2023. Collection method: clinical testing. Allele origin: germline.
Comment: The p.D954E variant (also known as c.2862C>G), located in coding exon 14 of the BLM gene, results from a C to G substitution at nucleotide position 2862. The aspartic acid at codon 954 is replaced by glutamic acid, an amino acid with highly similar properties. This amino acid position is conserved. In addition, this alteration is predicted to be deleterious by in silico analysis. Since supporting evidence is limited at this time, the clinical significance of this alteration remains unclear.